The following is an entry in ClinVar:

NM_203283.5(RBPJ):c.-47+878_-47+892del

Gene: RBPJ (recombination signal binding protein for immunoglobulin kappa J region; plus strand). Cytogenetic location: 4p15.2.
Variant type: Deletion.
Coding change: c.-47+878_-47+892del on transcript NM_203283.5; bases 878 to 892 of the intron after 47 bases upstream of the start codon, 15 bases deleted (ACGGAGGGCTCGCCC).
Molecular consequence: intron variant. On other transcripts: inframe deletion (3), 5 prime UTR variant (1).
Genome position (GRCh38, 1-based): chr4:26,320,766-26,320,780, ACGGAGGGCTCGCCC deleted; deleting any 15 consecutive bases within chr4:26,320,765-26,320,780 gives the same sequence; the c. name uses the placement nearest the transcript's 3' end. VCF-style (leftmost placement, unchanged base first): chr4-26320764-ACACGGAGGGCTCGCC-A. GRCh37 (hg19) VCF-style: chr4-26322386-ACACGGAGGGCTCGCC-A.
Other names: c.10_24del, p.Thr4_Pro8del (NM_001374400.1, NM_001379408.1, NM_005349.4); c.-216_-202del (NM_001379407.1); c.-166-41680_-166-41666del (NM_001374401.1); c.-167+878_-167+892del (NM_001379406.1); c.14+878_14+892del (NM_001379409.1).
Identifiers: ClinVar variation 2743342 (VCV002743342.3), dbSNP rs2474755352, ClinGen allele CA2697557088.

ClinVar aggregate classification (germline): Uncertain significance (1 of 4 stars; one submission).

Submission:

Labcorp Genetics (formerly Invitae), Labcorp
Classification: Uncertain significance. Last evaluated: 2024-10-24. Review status: criteria provided, single submitter. Criteria: Invitae Variant Classification Sherloc (09022015). Collection method: clinical testing. Allele origin: germline.
Comment: This variant, c.10_24del, results in the deletion of 5 amino acid(s) of the RBPJ protein (p.Thr4_Pro8del), but otherwise preserves the integrity of the reading frame. This variant is not present in population databases (gnomAD no frequency). This variant has not been reported in the literature in individuals affected with RBPJ-related conditions. Experimental studies and prediction algorithms are not available or were not evaluated, and the functional significance of this variant is currently unknown. In summary, the available evidence is currently insufficient to determine the role of this variant in disease. Therefore, it has been classified as a Variant of Uncertain Significance.